The following is an entry in ClinVar:

ClinVar aggregate classification (germline): Likely benign (0 of 4 stars; one submission).

Conditions:
BSN-related disorder. Also called: BSN-related condition.

Allele frequency attached by ClinVar (database versions not stated): ESP Exome Variant Server 0.00054; 1000 Genomes Project 0.00060; 1000 Genomes Project 30x 0.00062; ExAC 0.00069; gnomAD 0.00103; TOPMed 0.00111.
gnomAD v4.1: 1,592 of 1,583,766 alleles (0.1%); highest among the groups gnomAD compares: Admixed American, 0.16%; no homozygotes.

Submission:

PreventionGenetics, part of Exact Sciences
Classification: Likely benign for BSN-related condition. Last evaluated: 2019-11-04. Review status: no assertion criteria provided. Collection method: clinical testing. Allele origin: germline.
Comment: This variant is classified as likely benign based on ACMG/AMP sequence variant interpretation guidelines (Richards et al. 2015 PMID: 25741868, with internal and published modifications).

NM_003458.4(BSN):c.471C>T (p.Ser157=)

Gene: BSN (bassoon presynaptic cytomatrix protein; plus strand). Cytogenetic location: 3p21.31.
Variant type: single nucleotide variant.
Coding change: c.471C>T on transcript NM_003458.4 (MANE Select); coding-DNA position 471, C replaced by T.
Protein change: p.Ser157=; no amino-acid change (serine 157 retained).
Molecular consequence: synonymous variant.
Genome position (GRCh38, 1-based): chr3:49,625,221, C>T. VCF-style: chr3-49625221-C-T. GRCh37 (hg19) VCF-style: chr3-49662654-C-T.
Identifiers: ClinVar variation 3046029 (VCV003046029.2), dbSNP rs150855300, ClinGen allele CA2399414.
Genomic context (GRCh38, chr3:49,625,221, plus strand): 5'-ATCAGGGCGGTCCCCCTCAGTGTCACCGGACAGAGGCAGCACCCCCACATCACCCTACTC[C>T]GTCCCTCAGATCGCCCCCCTTCCCAGCAGCACGCTGTGTCCCATATGCAAGACTTCGGAC-3'
Protein context (NP_003449.2, residues 147-167): DRGSTPTSPY[Ser157=]VPQIAPLPSS